The following is an entry in ClinVar:

ClinVar aggregate classification (germline): Benign (1 of 4 stars; one submission).

Conditions:
Spondyloepiphyseal dysplasia tarda (SEDT). Also called: SPONDYLOEPIPHYSEAL DYSPLASIA, LATE. Identifiers: Orphanet 93284, MedGen CN033239, MONDO:0019667.

Allele frequency attached by ClinVar (database versions not stated): 1000 Genomes Project 0.01033; 1000 Genomes Project 30x 0.01041; gnomAD 0.01260 and 0.01377; TOPMed 0.01412.

Submission:

Illumina Laboratory Services, Illumina
Classification: Benign for Spondyloepiphyseal dysplasia tarda, X-linked. Last evaluated: 2018-01-12. Review status: criteria provided, single submitter. Criteria: ICSL Variant Classification Criteria 13 December 2019. Collection method: clinical testing. Allele origin: germline.
Comment: This variant was observed in the ICSL laboratory as part of a predisposition screen in an ostensibly healthy population. It had not been previously curated by ICSL or reported in the Human Gene Mutation Database (HGMD: prior to June 1st, 2018), and was therefore a candidate for classification through an automated scoring system. Utilizing variant allele frequency, disease prevalence and penetrance estimates, and inheritance mode, an automated score was calculated to assess if this variant is too frequent to cause the disease. Based on the score and internal cut-off values, a variant classified as benign is not then subjected to further curation. The score for this variant resulted in a classification of benign for this disease.

NM_001011658.4(TRAPPC2):c.*1963A>G

Gene: TRAPPC2 (trafficking protein particle complex subunit 2; minus strand). Cytogenetic location: Xp22.2.
Variant type: single nucleotide variant.
Coding change: c.*1963A>G on transcript NM_001011658.4 (MANE Select); 1963 bases downstream of the stop codon, A replaced by G.
Molecular consequence: 3 prime UTR variant.
Genome position (GRCh38, 1-based): chrX:13,712,444, T>C on the plus strand (A>G on the coding strand, the complement: TRAPPC2 is on the minus strand). VCF-style: chrX-13712444-T-C. GRCh37 (hg19) VCF-style: chrX-13730563-T-C.
Other names: c.*1963A>G (NM_001128835.3, NM_014563.6).
Identifiers: ClinVar variation 914500 (VCV000914500.4), dbSNP rs147081718, ClinGen allele CA326090060.